The following is an entry in ClinVar:

ClinVar aggregate classification (germline): Uncertain significance (1 of 4 stars; one submission).

Allele frequency attached by ClinVar (database versions not stated): ExAC 0.00001; gnomAD exomes 0.00001 and 0.00002.
gnomAD v4.1: 25 of 1,614,152 alleles (0.0015%); highest among the groups gnomAD compares: Non-Finnish European, 0.0021%; no homozygotes.

Submission:

Labcorp Genetics (formerly Invitae), Labcorp
Classification: Uncertain significance. Last evaluated: 2020-12-25. Review status: criteria provided, single submitter. Criteria: Invitae Variant Classification Sherloc (09022015). Collection method: clinical testing. Allele origin: germline.
Comment: In summary, the available evidence is currently insufficient to determine the role of this variant in disease. Therefore, it has been classified as a Variant of Uncertain Significance. Algorithms developed to predict the effect of missense changes on protein structure and function output the following: SIFT: "Tolerated"; PolyPhen-2: "Benign"; Align-GVGD: "Class C0". The leucine amino acid residue is found in multiple mammalian species, suggesting that this missense change does not adversely affect protein function. These predictions have not been confirmed by published functional studies and their clinical significance is uncertain. This variant has not been reported in the literature in individuals with ZMYND11-related conditions. This variant is present in population databases (rs752133209, ExAC 0.002%). This sequence change replaces methionine with leucine at codon 466 of the ZMYND11 protein (p.Met466Leu). The methionine residue is highly conserved and there is a small physicochemical difference between methionine and leucine.

NM_001370100.5(ZMYND11):c.1396A>C (p.Met466Leu)

Genes: ZMYND11 (zinc finger MYND-type containing 11; plus strand), LOC126860802 (BRD4-independent group 4 enhancer GRCh37_chr10:294268-295467; plus strand). Cytogenetic location: 10p15.3.
Variant type: single nucleotide variant.
Coding change: c.1396A>C on transcript NM_001370100.5 (MANE Select); coding-DNA position 1396, A replaced by C.
Protein change: p.Met466Leu; replaces methionine 466 with leucine.
Molecular consequence: missense variant. On other transcripts: non-coding transcript variant (1).
Genome position (GRCh38, 1-based): chr10:248,504, A>C. VCF-style: chr10-248504-A-C. GRCh37 (hg19) VCF-style: chr10-294444-A-C.
Other names: c.1234A>C, p.Met412Leu (NM_001202467.1, NM_001370103.2, NM_001370104.2 and 6 more transcripts); c.1396A>C, p.Met466Leu (NM_001202468.1, NM_001370097.3, NM_001370098.2 and 4 more transcripts); c.1345A>C, p.Met449Leu (NM_001330057.3, NM_001370112.2); c.1141A>C, p.Met381Leu (NM_001370110.2, NM_001202465.3); c.1231A>C, p.Met411Leu (NM_001370111.2, NM_001202466.3); c.1303A>C, p.Met435Leu (NM_001370113.2, NM_001370114.2); c.1393A>C, p.Met465Leu (NM_001370115.2, NM_212479.4); c.1330A>C, p.Met444Leu (NM_001370116.2); and 8 more; short protein forms M372L, M417L, M435L, M411L, M412L, M426L, M449L, M347L.
Identifiers: ClinVar variation 1426740 (VCV001426740.8), dbSNP rs752133209, ClinGen allele CA5379232.